The following is an entry in ClinVar:

NM_001353345.2(SETD1B):c.4106G>C (p.Ser1369Thr)

Gene: SETD1B (SET domain containing 1B, histone lysine methyltransferase; plus strand). Cytogenetic location: 12q24.31.
Variant type: single nucleotide variant.
Coding change: c.4106G>C on transcript NM_001353345.2 (MANE Select); coding-DNA position 4106, G replaced by C.
Protein change: p.Ser1369Thr; replaces serine 1369 with threonine.
Molecular consequence: missense variant.
Genome position (GRCh38, 1-based): chr12:121,822,685, G>C. VCF-style: chr12-121822685-G-C. GRCh37 (hg19) VCF-style: chr12-122260591-G-C.
Other names: short protein forms S1369T.
Identifiers: ClinVar variation 3372192 (VCV003372192.1).

ClinVar aggregate classification (germline): Uncertain significance (1 of 4 stars; one submission).

Submission:

GeneDx
Classification: Uncertain significance. Last evaluated: 2024-04-14. Review status: criteria provided, single submitter. Criteria: GeneDx Variant Classification Process June 2021. Collection method: clinical testing. Allele origin: germline. Affected: yes.
Comment: Not observed at significant frequency in large population cohorts (gnomAD); In silico analysis indicates that this missense variant does not alter protein structure/function; Has not been previously published as pathogenic or benign to our knowledge